The following is an entry in ClinVar:

ClinVar aggregate classification (germline): Uncertain significance (1 of 4 stars; one submission).

Submission:

Labcorp Genetics (formerly Invitae), Labcorp
Classification: Uncertain significance. Last evaluated: 2025-04-17. Review status: criteria provided, single submitter. Criteria: Invitae Variant Classification Sherloc (09022015). Collection method: clinical testing. Allele origin: germline.
Comment: This sequence change replaces threonine, which is neutral and polar, with serine, which is neutral and polar, at codon 967 of the KIAA0753 protein (p.Thr967Ser). This variant is not present in population databases (gnomAD no frequency). This variant has not been reported in the literature in individuals affected with KIAA0753-related conditions. An algorithm developed to predict the effect of missense changes on protein structure and function (PolyPhen-2) suggests that this variant is likely to be disruptive. In summary, the available evidence is currently insufficient to determine the role of this variant in disease. Therefore, it has been classified as a Variant of Uncertain Significance.

NM_014804.3(KIAA0753):c.2899A>T (p.Thr967Ser)

Gene: KIAA0753 (KIAA0753; minus strand). Cytogenetic location: 17p13.1.
Variant type: single nucleotide variant.
Coding change: c.2899A>T on transcript NM_014804.3 (MANE Select); coding-DNA position 2899, A replaced by T.
Protein change: p.Thr967Ser; replaces threonine 967 with serine.
Molecular consequence: missense variant. On other transcripts: non-coding transcript variant (3).
Genome position (GRCh38, 1-based): chr17:6,579,752, T>A on the plus strand (A>T on the coding strand, the complement: KIAA0753 is on the minus strand). VCF-style: chr17-6579752-T-A. GRCh37 (hg19) VCF-style: chr17-6483072-T-A.
Other names: c.2002A>T, p.Thr668Ser (NM_001351225.2); short protein forms T668S, T967S.
Identifiers: ClinVar variation 4713155 (VCV004713155.1).